The following is an entry in ClinVar:

NC_000002.11:g.(?_232995309)_(233028362_?)del

Gene: DIS3L2 (DIS3 like 3'-5' exoribonuclease 2; plus strand). Cytogenetic location: 2q37.1.
Variant type: Deletion.
Identifiers: ClinVar variation 2427368 (VCV002427368.1).

ClinVar aggregate classification (germline): Pathogenic (1 of 4 stars; one submission).

Conditions:
Perlman syndrome (PRLMNS). Identifiers: Orphanet 2849, MedGen C0796113, MONDO:0009965, OMIM 267000.

Submission:

Labcorp Genetics (formerly Invitae), Labcorp
Classification: Pathogenic for Perlman syndrome. Last evaluated: 2022-10-14. Review status: criteria provided, single submitter. Criteria: Invitae Variant Classification Sherloc (09022015). Collection method: clinical testing. Allele origin: germline.
Comment: This variant is a gross deletion of the genomic region encompassing exon(s) 7-9 of the DIS3L2 gene. This deletion is out-of-frame, and is expected to create a premature termination codon and result in an absent or disrupted protein product. Loss-of-function variants in DIS3L2 are known to be pathogenic (PMID: 22306653, 28328139). This variant has not been reported in the literature in individuals affected with DIS3L2-related conditions. For these reasons, this variant has been classified as Pathogenic.

Literature cited by the submitters: PubMed 22306653; PubMed 28328139.